The following is an entry in ClinVar:

ClinVar aggregate classification (germline): Uncertain significance. Review status: criteria provided, multiple submitters, no conflicts (2 of 4 stars). 2 submissions from 2 submitters: Uncertain significance (2). Last evaluated 2025-12-22.

Conditions:
Inborn genetic diseases. Identifiers: MedGen C0950123, MeSH D030342.
Left ventricular noncompaction 8 (LVNC8). Identifiers: Orphanet 154, Orphanet 54260, MedGen C3809288, MONDO:0014152, OMIM 615373.

gnomAD v4.1: 10 of 1,613,584 alleles (0.00062%); highest among the groups gnomAD compares: Admixed American, 0.015%; no homozygotes.

Submissions (2):

Ambry Genetics
Classification: Uncertain significance for Inborn genetic diseases. Last evaluated: 2025-12-22. Review status: criteria provided, single submitter. Criteria: Ambry Variant Classification Scheme 2023. Collection method: clinical testing. Allele origin: germline.

Labcorp Genetics (formerly Invitae), Labcorp
Classification: Uncertain significance for Left ventricular noncompaction 8. Last evaluated: 2025-03-20. Review status: criteria provided, single submitter. Criteria: Invitae Variant Classification Sherloc (09022015). Collection method: clinical testing. Allele origin: germline.
Comment: This sequence change replaces glutamine, which is neutral and polar, with glutamic acid, which is acidic and polar, at codon 191 of the PRDM16 protein (p.Gln191Glu). This variant is present in population databases (rs764272111, gnomAD 0.03%). This variant has not been reported in the literature in individuals affected with PRDM16-related conditions. An algorithm developed to predict the effect of missense changes on protein structure and function (PolyPhen-2) suggests that this variant is likely to be tolerated. In summary, the available evidence is currently insufficient to determine the role of this variant in disease. Therefore, it has been classified as a Variant of Uncertain Significance.

NM_022114.4(PRDM16):c.571C>G (p.Gln191Glu)

Gene: PRDM16 (PR/SET domain 16; plus strand). Cytogenetic location: 1p36.32.
Variant type: single nucleotide variant.
Coding change: c.571C>G on transcript NM_022114.4 (MANE Select); coding-DNA position 571, C replaced by G.
Protein change: p.Gln191Glu; replaces glutamine 191 with glutamic acid.
Molecular consequence: missense variant.
Genome position (GRCh38, 1-based): chr1:3,385,284, C>G. VCF-style: chr1-3385284-C-G. GRCh37 (hg19) VCF-style: chr1-3301848-C-G.
Other names: c.571C>G, p.Gln191Glu (NM_199454.3); c.571C>G (NM_022114.3); short protein forms Q191E.
Identifiers: ClinVar variation 3626913 (VCV003626913.3).
Genomic context (GRCh38, chr1:3,385,284, plus strand): 5'-TACATCCGTGTGGCGTGCTCCTGCGATGACCAGAACCTCACCATGTGTCAGATCAGTGAG[C>G]AGGTAGGTCCGGGCTCATAACAGGGGCTTCTGCCTCTTGGAATTGTCCCTGAGGATGTGG-3'
Protein context (NP_071397.3, residues 181-201): QNLTMCQISE[Gln191Glu]IYYKVIKDIE